The following is an entry in ClinVar:

ClinVar aggregate classification (germline): Uncertain significance (1 of 4 stars; one submission).

Conditions:
LRRC45-related disorder. Also called: LRRC45-related condition.

Submission:

PreventionGenetics, part of Exact Sciences
Classification: Uncertain significance for LRRC45-related condition. Last evaluated: 2026-03-23. Review status: criteria provided, single submitter. Criteria: ACMG Guidelines, 2015. Collection method: clinical testing. Allele origin: germline.
Comment: The LRRC45 c.1115T>G variant is predicted to result in the amino acid substitution p.Leu372Arg. To our knowledge, this variant has not been reported in the literature or in a large population database (gnomAD), indicating this variant is rare. At this time, the clinical significance of this variant is uncertain due to the absence of conclusive functional and genetic evidence.

NM_144999.4(LRRC45):c.1115T>G (p.Leu372Arg)

Gene: LRRC45 (leucine rich repeat containing 45; plus strand). Cytogenetic location: 17q25.3.
Variant type: single nucleotide variant.
Coding change: c.1115T>G on transcript NM_144999.4 (MANE Select); coding-DNA position 1115, T replaced by G.
Protein change: p.Leu372Arg; replaces leucine 372 with arginine.
Molecular consequence: missense variant.
Genome position (GRCh38, 1-based): chr17:82,028,301, T>G. VCF-style: chr17-82028301-T-G. GRCh37 (hg19) VCF-style: chr17-79986177-T-G.
Other names: short protein forms L372R.
Identifiers: ClinVar variation 4995191 (VCV004995191.1).
Genomic context (GRCh38, chr17:82,028,301, plus strand): 5'-CAGAGCGGGAGTCTAAACTCCTCAGAGACTTGTCTGCTGCCAATGAAAAGAACCTGCTTC[T>G]GCAAAACCAGGTAGCTGTGGTGGATGGAGCCAGGGAGCCCAGGGTGGGCGCGGCAGGGCT-3'
Protein context (NP_659436.1, residues 362-382): LSAANEKNLL[Leu372Arg]QNQVDELERK